The following is an entry in ClinVar:

ClinVar aggregate classification (germline): Likely benign (1 of 4 stars; one submission).

Allele frequency attached by ClinVar (database versions not stated): TOPMed below 0.00001 and 0.00001.
gnomAD v4.1: 1 of 1,600,006 alleles (0.000062%); highest among the groups gnomAD compares: Non-Finnish European, 0.000085%; no homozygotes.

Submission:

GeneDx
Classification: Likely benign. Last evaluated: 2018-01-11. Review status: criteria provided, single submitter. Criteria: GeneDx Variant Classification (06012015). Collection method: clinical testing. Allele origin: germline. Affected: yes.
Comment: This variant is considered likely benign or benign based on one or more of the following criteria: it is a conservative change, it occurs at a poorly conserved position in the protein, it is predicted to be benign by multiple in silico algorithms, and/or has population frequency not consistent with disease.

NM_003238.6(TGFB2):c.1087-14C>T

Gene: TGFB2 (transforming growth factor beta 2; plus strand). Cytogenetic location: 1q41.
Variant type: single nucleotide variant.
Coding change: c.1087-14C>T on transcript NM_003238.6 (MANE Select); 14 bases into the intron before coding-DNA position 1087, C replaced by T.
Molecular consequence: intron variant.
Genome position (GRCh38, 1-based): chr1:218,441,190, C>T. VCF-style: chr1-218441190-C-T. GRCh37 (hg19) VCF-style: chr1-218614532-C-T.
Other names: c.1171-14C>T (NM_001135599.4).
Identifiers: ClinVar variation 514459 (VCV000514459.1), dbSNP rs1341545472, ClinGen allele CA658795612.